The following is an entry in ClinVar:

ClinVar aggregate classification (germline): Uncertain significance (1 of 4 stars; one submission).

Allele frequency attached by ClinVar (database versions not stated): gnomAD exomes 0.00003; TOPMed 0.00003; gnomAD 0.00004; ExAC 0.00007.

Submission:

Labcorp Genetics (formerly Invitae), Labcorp
Classification: Uncertain significance. Last evaluated: 2025-07-22. Review status: criteria provided, single submitter. Criteria: Invitae Variant Classification Sherloc (09022015). Collection method: clinical testing. Allele origin: germline.
Comment: This sequence change creates a premature translational stop signal (p.Arg38*) in the NDUFB9 gene. It is expected to result in an absent or disrupted protein product. However, the current clinical and genetic evidence is not sufficient to establish whether loss-of-function variants in NDUFB9 cause disease. This variant is present in population databases (rs752176530, gnomAD 0.006%). This variant has not been reported in the literature in individuals affected with NDUFB9-related conditions. ClinVar contains an entry for this variant (Variation ID: 1493969). Algorithms developed to predict the effect of sequence changes on RNA splicing suggest that this variant may disrupt the consensus splice site. In summary, the available evidence is currently insufficient to determine the role of this variant in disease. Therefore, it has been classified as a Variant of Uncertain Significance.

NM_005005.3(NDUFB9):c.112C>T (p.Arg38Ter)

Gene: NDUFB9 (NADH:ubiquinone oxidoreductase subunit B9; plus strand). Cytogenetic location: 8q24.13.
Variant type: single nucleotide variant.
Coding change: c.112C>T on transcript NM_005005.3 (MANE Select); coding-DNA position 112, C replaced by T.
Protein change: p.Arg38Ter; replaces arginine 38 with a stop codon.
Molecular consequence: nonsense. On other transcripts: 5 prime UTR variant (1), intron variant (2).
Genome position (GRCh38, 1-based): chr8:124,543,097, C>T. VCF-style: chr8-124543097-C-T. GRCh37 (hg19) VCF-style: chr8-125555338-C-T.
Other names: c.-18C>T (NM_001278646.2); c.102-23C>T (NM_001311168.2); c.-32-25C>T (NM_001278645.2); short protein forms R38*.
Identifiers: ClinVar variation 1493969 (VCV001493969.6), dbSNP rs752176530, ClinGen allele CA4871475.